The following is an entry in ClinVar:

NM_000395.3(CSF2RB):c.724G>A (p.Glu242Lys)

Gene: CSF2RB (colony stimulating factor 2 receptor subunit beta; plus strand). Cytogenetic location: 22q12.3.
Variant type: single nucleotide variant.
Coding change: c.724G>A on transcript NM_000395.3 (MANE Select); coding-DNA position 724, G replaced by A.
Protein change: p.Glu242Lys; replaces glutamic acid 242 with lysine.
Molecular consequence: missense variant.
Genome position (GRCh38, 1-based): chr22:36,930,380, G>A. VCF-style: chr22-36930380-G-A. GRCh37 (hg19) VCF-style: chr22-37326422-G-A.
Other names: c.724G>A, p.Glu242Lys (NM_001410827.1); short protein forms E242K.
Identifiers: ClinVar variation 3692609 (VCV003692609.2).

ClinVar aggregate classification (germline): Uncertain significance (1 of 4 stars; one submission).

gnomAD v4.1: 2 of 1,613,456 alleles (0.00012%); highest among the groups gnomAD compares: South Asian, 0.0022%; no homozygotes.

Submission:

Labcorp Genetics (formerly Invitae), Labcorp
Classification: Uncertain significance. Last evaluated: 2024-12-19. Review status: criteria provided, single submitter. Criteria: Invitae Variant Classification Sherloc (09022015). Collection method: clinical testing. Allele origin: germline.
Comment: This sequence change replaces glutamic acid, which is acidic and polar, with lysine, which is basic and polar, at codon 242 of the CSF2RB protein (p.Glu242Lys). This variant is present in population databases (rs760820946, gnomAD 0.003%). This variant has not been reported in the literature in individuals affected with CSF2RB-related conditions. Invitae Evidence Modeling of protein sequence and biophysical properties (such as structural, functional, and spatial information, amino acid conservation, physicochemical variation, residue mobility, and thermodynamic stability) indicates that this missense variant is not expected to disrupt CSF2RB protein function with a negative predictive value of 80%. In summary, the available evidence is currently insufficient to determine the role of this variant in disease. Therefore, it has been classified as a Variant of Uncertain Significance.